The following is an entry in ClinVar:

NM_058179.4(PSAT1):c.696G>A (p.Val232=)

Gene: PSAT1 (phosphoserine aminotransferase 1; plus strand). Cytogenetic location: 9q21.2.
Variant type: single nucleotide variant.
Coding change: c.696G>A on transcript NM_058179.4 (MANE Select); coding-DNA position 696, G replaced by A.
Protein change: p.Val232=; no amino-acid change (valine 232 retained).
Molecular consequence: synonymous variant.
Genome position (GRCh38, 1-based): chr9:78,308,539, G>A. VCF-style: chr9-78308539-G-A. GRCh37 (hg19) VCF-style: chr9-80923455-G-A.
Other names: c.696G>A, p.Val232= (NM_021154.5).
Identifiers: ClinVar variation 712336 (VCV000712336.14), dbSNP rs140331840, ClinGen allele CA5095691.

ClinVar aggregate classification (germline): Benign. Review status: criteria provided, multiple submitters, no conflicts (2 of 4 stars). 3 submissions from 3 submitters: Benign (2). 1 of the submissions does not count toward it. Last evaluated 2026-02-03.

Conditions:
PSAT1-related disorder. Also called: PSAT1-related condition; PSAT1-related disorders.
Neu-Laxova syndrome 2. Identifiers: Orphanet 583602, MedGen C4015019, MONDO:0014466, OMIM 616038, Orphanet 2671.

Allele frequency attached by ClinVar (database versions not stated): gnomAD exomes 0.00021; 1000 Genomes Project 30x 0.00031; ExAC 0.00031; 1000 Genomes Project 0.00040; gnomAD 0.00087 and 0.00097; ESP Exome Variant Server 0.00092; TOPMed 0.00107.
gnomAD v4.1: 238 of 1,614,056 alleles (0.015%); highest among the groups gnomAD compares: African/African-American, 0.29%; 1 homozygote.

Submissions (3):

Labcorp Genetics (formerly Invitae), Labcorp
Classification: Benign for Neu-Laxova syndrome 2. Last evaluated: 2026-02-03. Review status: criteria provided, single submitter. Criteria: Invitae Variant Classification Sherloc (09022015). Collection method: clinical testing. Allele origin: germline.

Breakthrough Genomics
Classification: Benign. Review status: criteria provided, single submitter. Criteria: ACMG Guidelines, 2015. Collection method: not provided. Allele origin: germline. Inheritance: Autosomal recessive inheritance. Affected: yes.

PreventionGenetics, part of Exact Sciences
Classification: Likely benign for PSAT1-related condition. Last evaluated: 2020-06-05. Review status: no assertion criteria provided. Collection method: clinical testing. Allele origin: germline. Not counted in ClinVar's aggregate classification.
Comment: This variant is classified as likely benign based on ACMG/AMP sequence variant interpretation guidelines (Richards et al. 2015 PMID: 25741868, with internal and published modifications).